The following is an entry in ClinVar:

NC_000004.12:g.99574660T>C

Gene: MTTP (microsomal triglyceride transfer protein; plus strand). Cytogenetic location: 4q23.
Variant type: single nucleotide variant.
Molecular consequence: intron variant (on NM_000253.4).
Genome position: GRCh38 VCF-style: chr4-99574660-T-C. GRCh37 (hg19) VCF-style: chr4-100495817-T-C.
Other names: c.-101-149T>C (NM_000253.4); c.-188-7245T>C (NM_001300785.2).
Identifiers: ClinVar variation 1168853 (VCV001168853.10), dbSNP rs1800804, ClinGen allele CA11893402.

ClinVar aggregate classification (germline): Benign. Review status: criteria provided, multiple submitters, no conflicts (2 of 4 stars). 3 submissions from 3 submitters: Benign (3). Last evaluated 2025-06-03.

Allele frequency attached by ClinVar (database versions not stated): 1000 Genomes Project 0.24980; gnomAD 0.26064 and 0.25999; 1000 Genomes Project 30x 0.24781; TOPMed 0.26089; gnomAD exomes 0.26198.
gnomAD v4.1: 198,525 of 756,350 alleles (26%); highest among the groups gnomAD compares: South Asian, 34%; 27,211 homozygotes.

Submissions (3):

Labcorp Genetics (formerly Invitae), Labcorp
Classification: Benign. Last evaluated: 2025-06-03. Review status: criteria provided, single submitter. Criteria: Invitae Variant Classification Sherloc (09022015). Collection method: clinical testing. Allele origin: germline.

GeneDx
Classification: Benign. Last evaluated: 2019-04-14. Review status: criteria provided, single submitter. Criteria: GeneDx Variant Classification Process June 2021. Collection method: clinical testing. Allele origin: germline. Affected: yes.
Comment: This variant is associated with the following publications: (PMID: 17854051)

Breakthrough Genomics
Classification: Benign. Review status: criteria provided, single submitter. Criteria: ACMG Guidelines, 2015. Collection method: not provided. Allele origin: germline. Inheritance: Autosomal recessive inheritance. Affected: yes.